The following is an entry in ClinVar:

ClinVar aggregate classification (germline): Likely benign. Review status: criteria provided, multiple submitters, no conflicts (2 of 4 stars). 3 submissions from 3 submitters: Likely benign (2). 1 of the submissions does not count toward it. Last evaluated 2025-12-15.

Conditions:
Autosomal dominant nonsyndromic hearing loss 1. Also called: KONIGSMARK SYNDROME; DEAFNESS, AUTOSOMAL DOMINANT 1, WITH OR WITHOUT THROMBOCYTOPENIA. Identifiers: Orphanet 90635, MedGen C1852282, MONDO:0007424, OMIM 124900.
Progressive microcephaly-seizures-cortical blindness-developmental delay syndrome. Also called: Seizures, cortical blindness, and microcephaly syndrome. Identifiers: Orphanet 477814, MedGen C5567650, MONDO:0014714, OMIM 616632.
DIAPH1-related disorder. Also called: DIAPH1-related condition.

Allele frequency attached by ClinVar (database versions not stated): ExAC 0.00004; gnomAD 0.00005; gnomAD exomes 0.00005; TOPMed 0.00007; ESP Exome Variant Server 0.00008.
gnomAD v4.1: 277 of 1,613,826 alleles (0.017%); highest among the groups gnomAD compares: Non-Finnish European, 0.023%; no homozygotes.

Submissions (3):

Labcorp Genetics (formerly Invitae), Labcorp
Classification: Likely benign for Progressive microcephaly-seizures-cortical blindness-developmental delay syndrome; Autosomal dominant nonsyndromic hearing loss 1. Last evaluated: 2025-12-15. Review status: criteria provided, single submitter. Criteria: Invitae Variant Classification Sherloc (09022015). Collection method: clinical testing. Allele origin: germline.

Mayo Clinic Laboratories, Mayo Clinic
Classification: Likely benign. Last evaluated: 2025-01-30. Review status: criteria provided, single submitter. Criteria: ACMG Guidelines, 2015. Collection method: clinical testing. Allele origin: germline. Observed: 1 variant allele.
Comment: BP4, BP7

PreventionGenetics, part of Exact Sciences
Classification: Likely benign for DIAPH1-related condition. Last evaluated: 2024-01-30. Review status: no assertion criteria provided. Collection method: clinical testing. Allele origin: germline. Not counted in ClinVar's aggregate classification.
Comment: This variant is classified as likely benign based on ACMG/AMP sequence variant interpretation guidelines (Richards et al. 2015 PMID: 25741868, with internal and published modifications).

NM_005219.5(DIAPH1):c.3574+8G>C

Gene: DIAPH1 (diaphanous related formin 1; minus strand). Cytogenetic location: 5q31.3.
Variant type: single nucleotide variant.
Coding change: c.3574+8G>C on transcript NM_005219.5 (MANE Select); 8 bases into the intron after coding-DNA position 3574, G replaced by C.
Molecular consequence: intron variant.
Genome position (GRCh38, 1-based): chr5:141,526,030, C>G on the plus strand (G>C on the coding strand, the complement: DIAPH1 is on the minus strand). VCF-style: chr5-141526030-C-G. GRCh37 (hg19) VCF-style: chr5-140905597-C-G.
Other names: p.?; c.3547+8G>C (NM_001079812.3); c.3574+8G>C (NM_001314007.2, NM_005219.4).
Identifiers: ClinVar variation 1154624 (VCV001154624.12), dbSNP rs372735919, ClinGen allele CA3478754.